The following is an entry in ClinVar:

NM_006031.6(PCNT):c.9738C>A (p.Thr3246=)

Gene: PCNT (pericentrin; plus strand). Cytogenetic location: 21q22.3.
Variant type: single nucleotide variant.
Coding change: c.9738C>A on transcript NM_006031.6 (MANE Select); coding-DNA position 9738, C replaced by A.
Protein change: p.Thr3246=; no amino-acid change (threonine 3246 retained).
Molecular consequence: synonymous variant.
Genome position (GRCh38, 1-based): chr21:46,443,847, C>A. VCF-style: chr21-46443847-C-A. GRCh37 (hg19) VCF-style: chr21-47863760-C-A.
Other names: c.9147C>A, p.Thr3049= (NM_001315529.2).
Identifiers: ClinVar variation 4978238 (VCV004978238.1).
Genomic context (GRCh38, chr21:46,443,847, plus strand): 5'-GTTGTTAAATAATTCTGGGGAAGGGCCCCGAGCACGACAGCCGCAGTCTCCACCCAGAAC[C>A]AGAGAGTCCCCCCCAACCCGGGATGTACCCTCTGGCCACACCAGGGACCCTGCCAGAGGC-3'
Protein context (NP_006022.3, residues 3236-3256): RARQPQSPPR[Thr3246=]RESPPTRDVP

ClinVar aggregate classification (germline): Likely benign (1 of 4 stars; one submission).

Conditions:
PCNT-related disorder. Also called: PCNT-related condition.

gnomAD v4.1: 1 of 1,613,514 alleles (0.000062%); highest among the groups gnomAD compares: African/African-American, 0.0013%; no homozygotes.

Submission:

PreventionGenetics, part of Exact Sciences
Classification: Likely benign for PCNT-related condition. Last evaluated: 2026-07-23. Review status: criteria provided, single submitter. Criteria: ACMG Guidelines, 2015. Collection method: clinical testing. Allele origin: germline.
Comment: This variant is classified as likely benign based on ACMG/AMP sequence variant interpretation guidelines (Richards et al. 2015 PMID: 25741868, with internal and published modifications).